The following is an entry in ClinVar:

GRCh38/hg38 3q29(chr3:195654549-195699004)x3

Gene: MIR570HG (MIR570 host gene). Cytogenetic location: 3q29.
Variant type: copy number gain.
Change: copy number 3 (three copies instead of two) of chr3:195,654,549-195,699,004 (44.5 kb, GRCh38 coordinates, 1-based), cytogenetic band 3q29.
Identifiers: ClinVar variation 145209 (VCV000145209.1).

ClinVar aggregate classification (germline): Benign/Likely benign (0 of 4 stars; one submission).

Submission:

GeneDx
Classification: Benign/Likely benign. Last evaluated: 2010-11-30. Review status: no assertion criteria provided. Collection method: clinical testing. Allele origin: not provided. Affected: yes. Observed: 2 variant alleles.
Comment: Likely benign (1), Benign (1)